The following is an entry in ClinVar:

NM_001621.5(AHR):c.1283C>A (p.Pro428Gln)

Gene: AHR (aryl hydrocarbon receptor; plus strand). Cytogenetic location: 7p21.1.
Variant type: single nucleotide variant.
Coding change: c.1283C>A on transcript NM_001621.5 (MANE Select); coding-DNA position 1283, C replaced by A.
Protein change: p.Pro428Gln; replaces proline 428 with glutamine.
Molecular consequence: missense variant.
Genome position (GRCh38, 1-based): chr7:17,339,108, C>A. VCF-style: chr7-17339108-C-A. GRCh37 (hg19) VCF-style: chr7-17378732-C-A.
Other names: short protein forms P428Q.
Identifiers: ClinVar variation 1496234 (VCV001496234.8), dbSNP rs2115369544, ClinGen allele CA366893409.

ClinVar aggregate classification (germline): Uncertain significance (1 of 4 stars; one submission).

Submission:

Labcorp Genetics (formerly Invitae), Labcorp
Classification: Uncertain significance. Last evaluated: 2020-12-22. Review status: criteria provided, single submitter. Criteria: Invitae Variant Classification Sherloc (09022015). Collection method: clinical testing. Allele origin: germline.
Comment: In summary, the available evidence is currently insufficient to determine the role of this variant in disease. Therefore, it has been classified as a Variant of Uncertain Significance. Algorithms developed to predict the effect of missense changes on protein structure and function output the following: SIFT: "Tolerated"; PolyPhen-2: "Benign"; Align-GVGD: "Class C0". The glutamine amino acid residue is found in multiple mammalian species, suggesting that this missense change does not adversely affect protein function. These predictions have not been confirmed by published functional studies and their clinical significance is uncertain. This variant has not been reported in the literature in individuals with AHR-related conditions. This variant is not present in population databases (ExAC no frequency). This sequence change replaces proline with glutamine at codon 428 of the AHR protein (p.Pro428Gln). The proline residue is highly conserved and there is a moderate physicochemical difference between proline and glutamine.